The following is an entry in ClinVar:

ClinVar aggregate classification (germline): Uncertain significance. Review status: criteria provided, multiple submitters, no conflicts (2 of 4 stars). 3 submissions from 3 submitters: Uncertain significance (2). 1 of the submissions does not count toward it. Last evaluated 2025-11-15.

Conditions:
Hereditary cancer-predisposing syndrome. Also called: Neoplastic Syndromes, Hereditary; Tumor predisposition; Hereditary Cancer Syndrome; Hereditary neoplastic syndrome. Identifiers: Orphanet 140162, MedGen C0027672, MeSH D009386, MONDO:0015356.
POLE-related disorder. Also called: POLE-related disorders; POLE-related condition.

Submissions (3):

Labcorp Genetics (formerly Invitae), Labcorp
Classification: Uncertain significance. Last evaluated: 2025-11-15. Review status: criteria provided, single submitter. Criteria: Invitae Variant Classification Sherloc (09022015). Collection method: clinical testing. Allele origin: germline.
Comment: This variant, c.3434_3436del, results in the deletion of 1 amino acid(s) of the POLE protein (p.Ile1145del), but otherwise preserves the integrity of the reading frame. This variant is present in population databases (no rsID available, gnomAD 0.0009%). This variant has not been reported in the literature in individuals affected with POLE-related conditions. ClinVar contains an entry for this variant (Variation ID: 473596). Experimental studies and prediction algorithms are not available or were not evaluated, and the functional significance of this variant is currently unknown. In summary, the available evidence is currently insufficient to determine the role of this variant in disease. Therefore, it has been classified as a Variant of Uncertain Significance.

Ambry Genetics
Classification: Uncertain significance for Hereditary cancer-predisposing syndrome. Last evaluated: 2025-01-09. Review status: criteria provided, single submitter. Criteria: Ambry Variant Classification Scheme 2023. Collection method: clinical testing. Allele origin: germline.
Comment: The c.3434_3436delTCA variant (also known as p.I1145del) is located in coding exon 28 of the POLE gene. This variant results from an in-frame TCA deletion at nucleotide positions 3434 to 3436. This results in the in-frame deletion of an isoleucine at codon 1145. In addition, this alteration is predicted to be deleterious by in silico analysis (Choi Y et al. PLoS ONE. 2012; 7(10):e46688). This amino acid position is highly conserved in available vertebrate species. Since supporting evidence is limited at this time, the clinical significance of this alteration remains unclear.

PreventionGenetics, part of Exact Sciences
Classification: Uncertain significance for POLE-related condition. Last evaluated: 2024-02-12. Review status: no assertion criteria provided. Collection method: clinical testing. Allele origin: germline. Not counted in ClinVar's aggregate classification.
Comment: The POLE c.3434_3436delTCA variant is predicted to result in an in-frame deletion (p.Ile1145del). To our knowledge, this variant has not been reported in the literature. This variant is reported in 0.00088% of alleles in individuals of European (Non-Finnish) descent in gnomAD. This variant is interpreted as uncertain in ClinVar. This variant is interpreted as uncertain.

NM_006231.4(POLE):c.3431TCA[1] (p.Ile1145del)

Gene: POLE (DNA polymerase epsilon, catalytic subunit; minus strand). Cytogenetic location: 12q24.33.
Variant type: Microsatellite.
Coding change: c.3431TCA[1] on transcript NM_006231.4 (MANE Select); one copy of the 3-base unit TCA starting at c.3431; the reference has two copies in a row; one copy, 3 bases deleted.
Protein change: p.Ile1145del; deletes isoleucine 1145.
Molecular consequence: inframe deletion.
Genome position (GRCh38, 1-based): chr12:132,657,372-132,657,374, TGA deleted on the plus strand (TCA on the coding strand, the reverse complement: POLE is on the minus strand); deleting any 3 consecutive bases within chr12:132,657,372-132,657,378 gives the same sequence; the position shown is the placement nearest the transcript's 3' end. VCF-style (leftmost placement, unchanged base first): chr12-132657371-GTGA-G. GRCh37 (hg19) VCF-style: chr12-133233957-GTGA-G.
Other names: c.3434_3436delTCA (NM_006231.3); short protein forms I1145del.
Identifiers: ClinVar variation 473596 (VCV000473596.19), dbSNP rs976070874, ClinGen allele CA246314862.